The following is an entry in ClinVar:

NM_000153.4(GALC):c.1671-319A>G

Gene: GALC (galactosylceramidase; minus strand). Cytogenetic location: 14q31.3.
Variant type: single nucleotide variant.
Coding change: c.1671-319A>G on transcript NM_000153.4 (MANE Select); 319 bases into the intron before coding-DNA position 1671, A replaced by G.
Molecular consequence: intron variant.
Genome position (GRCh38, 1-based): chr14:87,941,877, T>C on the plus strand (A>G on the coding strand, the complement: GALC is on the minus strand). VCF-style: chr14-87941877-T-C. GRCh37 (hg19) VCF-style: chr14-88408221-T-C.
Other names: c.1593-319A>G (NM_001201402.2); c.1602-319A>G (NM_001201401.2).
Identifiers: ClinVar variation 682663 (VCV000682663.1), dbSNP rs367125, ClinGen allele CA264680353.

ClinVar aggregate classification (germline): Benign (1 of 4 stars; one submission).

Allele frequency attached by ClinVar (database versions not stated): 1000 Genomes Project 0.94089; 1000 Genomes Project 30x 0.94097; TOPMed 0.95047; gnomAD 0.95457 and 0.95681.
gnomAD v4.1: 145,486 of 151,998 alleles (96%); highest among the groups gnomAD compares: Non-Finnish European, 100%; 69,921 homozygotes.

Submission:

GeneDx
Classification: Benign. Last evaluated: 2018-06-19. Review status: criteria provided, single submitter. Criteria: GeneDx Variant Classification (06012015). Collection method: clinical testing. Allele origin: germline. Affected: yes.
Comment: This variant is considered likely benign or benign based on one or more of the following criteria: it is a conservative change, it occurs at a poorly conserved position in the protein, it is predicted to be benign by multiple in silico algorithms, and/or has population frequency not consistent with disease.